The following is an entry in ClinVar:

ClinVar aggregate classification (germline): Uncertain significance. Review status: criteria provided, multiple submitters, no conflicts (2 of 4 stars). 2 submissions from 2 submitters: Uncertain significance (2). Last evaluated 2024-01-19.

Conditions:
Epilepsy, familial focal, with variable foci 3 (FFEVF3). Identifiers: MedGen C4310708, MONDO:0014925, OMIM 617118.

Allele frequency attached by ClinVar (database versions not stated): gnomAD exomes 0.00001 and 0.00002; TOPMed 0.00002; ExAC 0.00003; ESP Exome Variant Server 0.00008.

Submissions (2):

Women's Health and Genetics/Laboratory Corporation of America, LabCorp
Classification: Uncertain significance. Last evaluated: 2024-01-19. Review status: criteria provided, single submitter. Criteria: LabCorp Variant Classification Summary - May 2015. Collection method: clinical testing. Allele origin: germline.
Comment: Variant summary: C16orf35 c.1330G>A (p.Ala444Thr) results in a non-conservative amino acid change in the encoded protein sequence. Three of five in-silico tools predict a damaging effect of the variant on protein function. The variant allele was found at a frequency of 5.6e-06 in 1437424 control chromosomes. The available data on variant occurrences in the general population are insufficient to allow any conclusion about variant significance. To our knowledge, no occurrence of c.1330G>A in individuals affected with Epilepsy, Familial Focal, With Variable Foci 3 and no experimental evidence demonstrating its impact on protein function have been reported. ClinVar contains an entry for this variant (Variation ID: 1015580). Based on the evidence outlined above, the variant was classified as uncertain significance.

Labcorp Genetics (formerly Invitae), Labcorp
Classification: Uncertain significance for Epilepsy, familial focal, with variable foci 3. Last evaluated: 2023-08-04. Review status: criteria provided, single submitter. Criteria: Invitae Variant Classification Sherloc (09022015). Collection method: clinical testing. Allele origin: germline.
Comment: This sequence change replaces alanine, which is neutral and non-polar, with threonine, which is neutral and polar, at codon 444 of the NPRL3 protein (p.Ala444Thr). This variant is present in population databases (rs368198378, gnomAD 0.01%). This variant has not been reported in the literature in individuals affected with NPRL3-related conditions. ClinVar contains an entry for this variant (Variation ID: 1015580). Advanced modeling of protein sequence and biophysical properties (such as structural, functional, and spatial information, amino acid conservation, physicochemical variation, residue mobility, and thermodynamic stability) performed at Invitae indicates that this missense variant is not expected to disrupt NPRL3 protein function. In summary, the available evidence is currently insufficient to determine the role of this variant in disease. Therefore, it has been classified as a Variant of Uncertain Significance.

NM_001077350.3(NPRL3):c.1330G>A (p.Ala444Thr)

Genes: HBA-LCR (alpha-globin locus control region; plus strand), NPRL3 (NPR3 like, GATOR1 complex subunit; minus strand). Cytogenetic location: 16p13.3.
Variant type: single nucleotide variant.
Coding change: c.1330G>A on transcript NM_001077350.3 (MANE Select); coding-DNA position 1330, G replaced by A.
Protein change: p.Ala444Thr; replaces alanine 444 with threonine.
Molecular consequence: missense variant.
Genome position (GRCh38, 1-based): chr16:89,734, C>T on the plus strand (G>A on the coding strand, the complement: NPRL3 is on the minus strand). VCF-style: chr16-89734-C-T. GRCh37 (hg19) VCF-style: chr16-139732-C-T.
Other names: c.793G>A, p.Ala265Thr (NM_001039476.3); c.1096G>A, p.Ala366Thr (NM_001243247.2); c.1255G>A, p.Ala419Thr (NM_001243248.2, NM_001243249.2); short protein forms A265T, A366T, A419T, A444T.
Identifiers: ClinVar variation 1015580 (VCV001015580.11), dbSNP rs368198378, ClinGen allele CA7769366.